The following is an entry in ClinVar:

NM_000222.3(KIT):c.757-18C>T

Gene: KIT (KIT proto-oncogene, receptor tyrosine kinase; plus strand). Cytogenetic location: 4q12.
Variant type: single nucleotide variant.
Coding change: c.757-18C>T on transcript NM_000222.3 (MANE Select); 18 bases into the intron before coding-DNA position 757, C replaced by T.
Molecular consequence: intron variant.
Genome position (GRCh38, 1-based): chr4:54,703,706, C>T. VCF-style: chr4-54703706-C-T. GRCh37 (hg19) VCF-style: chr4-55569872-C-T.
Other names: c.757-15C>T (NM_001385284.1, NM_001385290.1, NM_001385288.1 and 1 more transcripts); c.757-18C>T (NM_001385285.1, NM_001093772.2, NM_001385286.1).
Identifiers: ClinVar variation 1613563 (VCV001613563.9), dbSNP rs550978864, ClinGen allele CA2923315.

ClinVar aggregate classification (germline): Likely benign. Review status: criteria provided, multiple submitters, no conflicts (2 of 4 stars). 2 submissions from 2 submitters: Likely benign (2). Last evaluated 2026-05-26.

Conditions:
Gastrointestinal stromal tumor. Also called: Gastrointestinal stromal tumor, somatic; Gastrointestinal stroma tumor. Identifiers: Orphanet 44890, MedGen C0238198, MeSH D046152, MONDO:0011719, OMIM 606764, HP:0100723.

Allele frequency attached by ClinVar (database versions not stated): ExAC 0.00002; 1000 Genomes Project 30x 0.00016; 1000 Genomes Project 0.00020.

Submissions (2):

Myriad Genetics, Inc.
Classification: Likely benign for Gastrointestinal stromal tumor. Last evaluated: 2026-05-26. Review status: criteria provided, single submitter. Criteria: Myriad Autosomal Dominant, Autosomal Recessive and X-Linked Classification Criteria (2023). Collection method: clinical testing. Allele origin: unknown.
Comment: This variant is considered likely benign. This variant is intronic and is not expected to impact mRNA splicing.

Labcorp Genetics (formerly Invitae), Labcorp
Classification: Likely benign for Gastrointestinal stromal tumor. Last evaluated: 2026-02-04. Review status: criteria provided, single submitter. Criteria: Invitae Variant Classification Sherloc (09022015). Collection method: clinical testing. Allele origin: germline.